The following is an entry in ClinVar:

NM_006904.7(PRKDC):c.2866C>A (p.Pro956Thr)

Gene: PRKDC (protein kinase, DNA-activated, catalytic subunit; minus strand). Cytogenetic location: 8q11.21.
Variant type: single nucleotide variant.
Coding change: c.2866C>A on transcript NM_006904.7 (MANE Select); coding-DNA position 2866, C replaced by A.
Protein change: p.Pro956Thr; replaces proline 956 with threonine.
Molecular consequence: missense variant.
Genome position (GRCh38, 1-based): chr8:47,912,478, G>T on the plus strand (C>A on the coding strand, the complement: PRKDC is on the minus strand). VCF-style: chr8-47912478-G-T. GRCh37 (hg19) VCF-style: chr8-48825038-G-T.
Other names: c.2866C>A, p.Pro956Thr (NM_001081640.2); short protein forms P956T.
Identifiers: ClinVar variation 3225816 (VCV003225816.1), dbSNP rs2551876653, ClinGen allele CA371158799.

ClinVar aggregate classification (germline): Uncertain significance (1 of 4 stars; one submission).

gnomAD v4.1: 2 of 1,612,576 alleles (0.00012%); highest among the groups gnomAD compares: African/African-American, 0.0027%; no homozygotes.

Submission:

Ambry Genetics
Classification: Uncertain significance. Last evaluated: 2023-10-15. Review status: criteria provided, single submitter. Criteria: Ambry Variant Classification Scheme 2023. Collection method: clinical testing. Allele origin: germline.
Comment: The p.P956T variant (also known as c.2866C>A), located in coding exon 25 of the PRKDC gene, results from a C to A substitution at nucleotide position 2866. The proline at codon 956 is replaced by threonine, an amino acid with highly similar properties. This amino acid position is conserved. In addition, this alteration is predicted to be tolerated by in silico analysis. Since supporting evidence is limited at this time, the clinical significance of this alteration remains unclear.